The following is an entry in ClinVar:

NM_000245.4(MET):c.1078T>A (p.Ser360Thr)

Gene: MET (MET proto-oncogene, receptor tyrosine kinase; plus strand). Cytogenetic location: 7q31.2.
Variant type: single nucleotide variant.
Coding change: c.1078T>A on transcript NM_000245.4 (MANE Select); coding-DNA position 1078, T replaced by A.
Protein change: p.Ser360Thr; replaces serine 360 with threonine.
Molecular consequence: missense variant. On other transcripts: intron variant (1).
Genome position (GRCh38, 1-based): chr7:116,700,162, T>A. VCF-style: chr7-116700162-T-A. GRCh37 (hg19) VCF-style: chr7-116340216-T-A.
Other names: c.1078T>A, p.Ser360Thr (NM_001127500.3, NM_001324401.3); c.-91+27585T>A (NM_001324402.2); short protein forms S360T.
Identifiers: ClinVar variation 4053979 (VCV004053979.1).

ClinVar aggregate classification (germline): Uncertain significance (1 of 4 stars; one submission).

Conditions:
Hereditary cancer-predisposing syndrome. Also called: Neoplastic Syndromes, Hereditary; Tumor predisposition; Hereditary neoplastic syndrome; Hereditary Cancer Syndrome. Identifiers: Orphanet 140162, MedGen C0027672, MeSH D009386, MONDO:0015356.

Submission:

Ambry Genetics
Classification: Uncertain significance for Hereditary cancer-predisposing syndrome. Last evaluated: 2025-05-24. Review status: criteria provided, single submitter. Criteria: Ambry Variant Classification Scheme 2023. Collection method: clinical testing. Allele origin: germline.
Comment: The p.S360T variant (also known as c.1078T>A), located in coding exon 1 of the MET gene, results from a T to A substitution at nucleotide position 1078. The serine at codon 360 is replaced by threonine, an amino acid with similar properties. This amino acid position is conserved. In addition, the in silico prediction for this alteration is inconclusive. Based on the available evidence, the clinical significance of this variant remains unclear.